The following is an entry in ClinVar:

ClinVar aggregate classification (germline): Benign. Review status: criteria provided, multiple submitters, no conflicts (2 of 4 stars). 4 submissions from 4 submitters: Benign (4). Last evaluated 2024-11-26.

Allele frequency attached by ClinVar (database versions not stated): gnomAD exomes 0.27323; 1000 Genomes Project 30x 0.27623; 1000 Genomes Project 0.28095; gnomAD 0.28409 and 0.28546; TOPMed 0.28581; ExAC 0.29993.
gnomAD v4.1: 367,709 of 1,209,746 alleles (30%); highest among the groups gnomAD compares: Middle Eastern, 34%; 57,538 homozygotes.

Submissions (4):

Blueprint Genetics
Classification: Benign. Last evaluated: 2024-11-26. Review status: criteria provided, single submitter. Criteria: ACMG Guidelines, 2015. Collection method: clinical testing. Allele origin: germline.

GeneDx
Classification: Benign. Last evaluated: 2018-11-11. Review status: criteria provided, single submitter. Criteria: GeneDx Variant Classification Process June 2021. Collection method: clinical testing. Allele origin: germline. Affected: yes.

Laboratory for Molecular Medicine, Mass General Brigham Personalized Medicine
Classification: Benign. Last evaluated: 2016-03-21. Review status: criteria provided, single submitter. Criteria: LMM Criteria. Collection method: clinical testing. Allele origin: germline. Observed: 1 variant allele.
Comment: p.His15His in exon 1 of CUL3: This variant is not expected to have clinical sign ificance because it does not alter an amino acid residue, is not located within the splice consensus sequence, and has been identified in 37.34% (1236/3310) of European chromosomes by the Exome Aggregation Consortium (ExAC; dbSNP rs10498163).

Breakthrough Genomics
Classification: Benign. Review status: criteria provided, single submitter. Criteria: ACMG Guidelines, 2015. Collection method: not provided. Allele origin: germline. Inheritance: Autosomal dominant inheritance. Affected: yes.

NM_003590.5(CUL3):c.67-11872T>C

Gene: CUL3 (cullin 3; minus strand). Cytogenetic location: 2q36.2.
Variant type: single nucleotide variant.
Coding change: c.67-11872T>C on transcript NM_003590.5 (MANE Select); 11872 bases into the intron before coding-DNA position 67, T replaced by C.
Molecular consequence: intron variant. On other transcripts: synonymous variant (1).
Genome position (GRCh38, 1-based): chr2:224,569,728, A>G on the plus strand (T>C on the coding strand, the complement: CUL3 is on the minus strand). VCF-style: chr2-224569728-A-G. GRCh37 (hg19) VCF-style: chr2-225434445-A-G.
Other names: c.45T>C, p.His15= (NM_001257198.2); c.66+15216T>C (NM_001257197.2).
Identifiers: ClinVar variation 504910 (VCV000504910.7), dbSNP rs10498163, ClinGen allele CA2140323.
Genomic context (GRCh38, chr2:224,569,728, plus strand): 5'-GTCAGTCTATTATATACTTACACATCTTGAAGGTTCTGTGATTACTGAGAGAACTACATC[A>G]TGAGACAAATTAAAACTAAATGAAAAGAAGTGAATTCTTAACATCTACTACATACAAAGG-3'